The following is an entry in ClinVar:

NM_020812.4(DOCK6):c.667C>T (p.Arg223Ter)

Gene: DOCK6 (dedicator of cytokinesis 6; minus strand). Cytogenetic location: 19p13.2.
Variant type: single nucleotide variant.
Coding change: c.667C>T on transcript NM_020812.4 (MANE Select); coding-DNA position 667, C replaced by T.
Protein change: p.Arg223Ter; replaces arginine 223 with a stop codon.
Molecular consequence: nonsense.
Genome position (GRCh38, 1-based): chr19:11,250,927, G>A on the plus strand (C>T on the coding strand, the complement: DOCK6 is on the minus strand). VCF-style: chr19-11250927-G-A. GRCh37 (hg19) VCF-style: chr19-11361603-G-A.
Other names: c.667C>T, p.Arg223Ter (NM_001367830.1); short protein forms R223*.
Identifiers: ClinVar variation 2164601 (VCV002164601.4), dbSNP rs376648777, ClinGen allele CA9208413.

ClinVar aggregate classification (germline): Pathogenic (1 of 4 stars; one submission).

Allele frequency attached by ClinVar (database versions not stated): gnomAD exomes 0.00001; ExAC 0.00002; gnomAD 0.00003; TOPMed 0.00003; ESP Exome Variant Server 0.00008.
gnomAD v4.1: 8 of 1,609,318 alleles (0.0005%); highest among the groups gnomAD compares: African/African-American, 0.0067%; no homozygotes.

Submission:

Labcorp Genetics (formerly Invitae), Labcorp
Classification: Pathogenic. Last evaluated: 2024-08-11. Review status: criteria provided, single submitter. Criteria: Invitae Variant Classification Sherloc (09022015). Collection method: clinical testing. Allele origin: germline.
Comment: This sequence change creates a premature translational stop signal (p.Arg223*) in the DOCK6 gene. It is expected to result in an absent or disrupted protein product. Loss-of-function variants in DOCK6 are known to be pathogenic (PMID: 21820096, 25824905). This variant is present in population databases (rs376648777, gnomAD 0.01%). This variant has not been reported in the literature in individuals affected with DOCK6-related conditions. ClinVar contains an entry for this variant (Variation ID: 2164601). For these reasons, this variant has been classified as Pathogenic.

Literature cited by the submitters: PubMed 21820096; PubMed 25824905.